The following is an entry in ClinVar:

NM_177438.3(DICER1):c.631A>G (p.Asn211Asp)

Gene: DICER1 (dicer 1, ribonuclease III; minus strand). Cytogenetic location: 14q32.13.
Variant type: single nucleotide variant.
Coding change: c.631A>G on transcript NM_177438.3 (MANE Select); coding-DNA position 631, A replaced by G.
Protein change: p.Asn211Asp; replaces asparagine 211 with aspartic acid.
Molecular consequence: missense variant.
Genome position (GRCh38, 1-based): chr14:95,129,575, T>C on the plus strand (A>G on the coding strand, the complement: DICER1 is on the minus strand). VCF-style: chr14-95129575-T-C. GRCh37 (hg19) VCF-style: chr14-95595912-T-C.
Other names: c.631A>G, p.Asn211Asp (NM_001195573.1, NM_001271282.3, NM_001291628.2 and 1 more transcripts); short protein forms N211D.
Identifiers: ClinVar variation 826320 (VCV000826320.5), dbSNP rs1392979238, ClinGen allele CA390888191.

ClinVar aggregate classification (germline): Uncertain significance (1 of 4 stars; one submission).

Conditions:
Hereditary cancer-predisposing syndrome. Also called: Hereditary Cancer Syndrome; Tumor predisposition; Neoplastic Syndromes, Hereditary; Hereditary neoplastic syndrome. Identifiers: Orphanet 140162, MedGen C0027672, MeSH D009386, MONDO:0015356.

Allele frequency attached by ClinVar (database versions not stated): TOPMed below 0.00001; gnomAD 0.00001.
gnomAD v4.1: 1 of 1,613,584 alleles (0.000062%); highest among the groups gnomAD compares: Non-Finnish European, 0.000085%; no homozygotes.

Submission:

Ambry Genetics
Classification: Uncertain significance for Hereditary cancer-predisposing syndrome. Last evaluated: 2026-02-09. Review status: criteria provided, single submitter. Criteria: Ambry Variant Classification Scheme 2023. Collection method: clinical testing. Allele origin: germline.
Comment: The p.N211D variant (also known as c.631A>G), located in coding exon 5 of the DICER1 gene, results from an A to G substitution at nucleotide position 631. The asparagine at codon 211 is replaced by aspartic acid, an amino acid with highly similar properties. This amino acid position is highly conserved in available vertebrate species. In addition, this alteration is predicted to be tolerated by in silico analysis. Based on the available evidence, the clinical significance of this variant remains unclear.